The following is an entry in ClinVar:

NM_001999.4(FBN2):c.1069C>T (p.Arg357Ter)

Gene: FBN2 (fibrillin 2; minus strand). Cytogenetic location: 5q23.3.
Variant type: single nucleotide variant.
Coding change: c.1069C>T on transcript NM_001999.4 (MANE Select); coding-DNA position 1069, C replaced by T.
Protein change: p.Arg357Ter; replaces arginine 357 with a stop codon.
Molecular consequence: nonsense.
Genome position (GRCh38, 1-based): chr5:128,408,683, G>A on the plus strand (C>T on the coding strand, the complement: FBN2 is on the minus strand). VCF-style: chr5-128408683-G-A. GRCh37 (hg19) VCF-style: chr5-127744376-G-A.
Other names: short protein forms R357*.
Identifiers: ClinVar variation 943219 (VCV000943219.12), dbSNP rs1752991946, ClinGen allele CA360753146.

ClinVar aggregate classification (germline): Uncertain significance. Review status: criteria provided, multiple submitters, no conflicts (2 of 4 stars). 3 submissions from 3 submitters: Uncertain significance (3). Last evaluated 2024-09-20.

Conditions:
Familial thoracic aortic aneurysm and aortic dissection (TAAD). Also called: Thoracic aortic aneurysms and dissections. Identifiers: Orphanet 91387, MedGen C4707243, MONDO:0019625.
Congenital contractural arachnodactyly (CCA). Also called: BEALS SYNDROME; Arthrogryposis, distal, type 9; Beals-Hecht syndrome. Identifiers: Orphanet 115, MedGen C0220668, MONDO:0007363, OMIM 121050.

Allele frequency attached by ClinVar (database versions not stated): gnomAD exomes below 0.00001.
gnomAD v4.1: 3 of 1,613,908 alleles (0.00019%); highest among the groups gnomAD compares: Non-Finnish European, 0.00025%; no homozygotes.

Submissions (3):

Ambry Genetics
Classification: Uncertain significance for Familial thoracic aortic aneurysm and aortic dissection. Last evaluated: 2024-09-20. Review status: criteria provided, single submitter. Criteria: Ambry Variant Classification Scheme 2023. Collection method: clinical testing. Allele origin: germline.
Comment: The p.R357* variant (also known as c.1069C>T), located in coding exon 8 of the FBN2 gene, results from a C to T substitution at nucleotide position 1069. This changes the amino acid from an arginine to a stop codon within coding exon 8. This alteration is expected to result in protein truncation or nonsense-mediated mRNA decay. However, loss of function of FBN2 has not been established as a mechanism of disease. Based on the available evidence, the clinical significance of this variant remains unclear.

Labcorp Genetics (formerly Invitae), Labcorp
Classification: Uncertain significance for Congenital contractural arachnodactyly. Last evaluated: 2022-12-06. Review status: criteria provided, single submitter. Criteria: Invitae Variant Classification Sherloc (09022015). Collection method: clinical testing. Allele origin: germline.
Comment: In summary, the available evidence is currently insufficient to determine the role of this variant in disease. Therefore, it has been classified as a Variant of Uncertain Significance. ClinVar contains an entry for this variant (Variation ID: 943219). This variant has not been reported in the literature in individuals affected with FBN2-related conditions. This variant is not present in population databases (gnomAD no frequency). This sequence change creates a premature translational stop signal (p.Arg357*) in the FBN2 gene. It is expected to result in an absent or disrupted protein product. However, the current clinical and genetic evidence is not sufficient to establish whether loss-of-function variants in FBN2 cause disease.

GeneDx
Classification: Uncertain significance. Last evaluated: 2019-04-29. Review status: criteria provided, single submitter. Criteria: GeneDx Variant Classification Process June 2021. Collection method: clinical testing. Allele origin: germline. Affected: yes.
Comment: Has not been previously published as pathogenic or benign to our knowledge; Not observed in large population cohorts (Lek et al., 2016); Nonsense variant predicted to result in protein truncation or nonsense mediated decay in a gene for which loss-of-function is not a known mechanism of disease